The following is an entry in ClinVar:

NM_020975.6(RET):c.3180A>C (p.Lys1060Asn)

Gene: RET (ret proto-oncogene; plus strand). Cytogenetic location: 10q11.21.
Variant type: single nucleotide variant.
Coding change: c.3180A>C on transcript NM_020975.6 (MANE Select); coding-DNA position 3180, A replaced by C.
Protein change: p.Lys1060Asn; replaces lysine 1060 with asparagine.
Molecular consequence: missense variant.
Genome position (GRCh38, 1-based): chr10:43,126,715, A>C. VCF-style: chr10-43126715-A-C. GRCh37 (hg19) VCF-style: chr10-43622163-A-C.
Other names: c.3180A>C, p.Lys1060Asn (NM_000323.2, NM_001406743.1, NM_001406744.1 and 2 more transcripts); c.2418A>C, p.Lys806Asn (NM_001355216.2); c.3051A>C, p.Lys1017Asn (NM_001406761.1, NM_001406762.1, NM_001406764.1); c.3045A>C, p.Lys1015Asn (NM_001406763.1, NM_001406765.1); c.2892A>C, p.Lys964Asn (NM_001406766.1, NM_001406767.1, NM_001406770.1); c.2916A>C, p.Lys972Asn (NM_001406768.1); c.2784A>C, p.Lys928Asn (NM_001406769.1, NM_001406772.1); c.2742A>C, p.Lys914Asn (NM_001406771.1, NM_001406773.1); and 10 more; short protein forms K1060N, K806N, K730N, K625N, K665N, K885N, K1015N, K1017N.
Identifiers: ClinVar variation 1407322 (VCV001407322.11), dbSNP rs1361161086, ClinGen allele CA376558547.

ClinVar aggregate classification (germline): Uncertain significance. Review status: criteria provided, multiple submitters, no conflicts (2 of 4 stars). 3 submissions from 3 submitters: Uncertain significance (3). Last evaluated 2025-03-03.

Conditions:
Hereditary cancer-predisposing syndrome. Also called: Hereditary neoplastic syndrome; Hereditary Cancer Syndrome; Neoplastic Syndromes, Hereditary; Tumor predisposition. Identifiers: Orphanet 140162, MedGen C0027672, MeSH D009386, MONDO:0015356.
Multiple endocrine neoplasia, type 2 (MEN2). Identifiers: Orphanet 653, MedGen C4048306, MONDO:0019003. Disease mechanism: gain of function.

Allele frequency attached by ClinVar (database versions not stated): gnomAD exomes below 0.00001.
gnomAD v4.1: 1 of 1,613,696 alleles (0.000062%); highest among the groups gnomAD compares: Admixed American, 0.0017%; no homozygotes.

Submissions (3):

Labcorp Genetics (formerly Invitae), Labcorp
Classification: Uncertain significance for Multiple endocrine neoplasia, type 2. Last evaluated: 2025-03-03. Review status: criteria provided, single submitter. Criteria: Invitae Variant Classification Sherloc (09022015). Collection method: clinical testing. Allele origin: germline.
Comment: This sequence change replaces lysine, which is basic and polar, with asparagine, which is neutral and polar, at codon 1060 of the RET protein (p.Lys1060Asn). This variant is present in population databases (no rsID available, gnomAD 0.003%). This variant has not been reported in the literature in individuals affected with RET-related conditions. ClinVar contains an entry for this variant (Variation ID: 1407322). An algorithm developed to predict the effect of missense changes on protein structure and function (PolyPhen-2) suggests that this variant is likely to be tolerated. In summary, the available evidence is currently insufficient to determine the role of this variant in disease. Therefore, it has been classified as a Variant of Uncertain Significance.

Ambry Genetics
Classification: Uncertain significance for Hereditary cancer-predisposing syndrome. Last evaluated: 2024-12-02. Review status: criteria provided, single submitter. Criteria: Ambry Variant Classification Scheme 2023. Collection method: clinical testing. Allele origin: germline.
Comment: The p.K1060N variant (also known as c.3180A>C), located in coding exon 19 of the RET gene, results from an A to C substitution at nucleotide position 3180. The lysine at codon 1060 is replaced by asparagine, an amino acid with similar properties. This amino acid position is conserved. In addition, the in silico prediction for this alteration is inconclusive. Since supporting evidence is limited at this time, the clinical significance of this alteration remains unclear.

All of Us Research Program, National Institutes of Health
Classification: Uncertain significance for Multiple endocrine neoplasia, type 2. Last evaluated: 2023-05-16. Review status: criteria provided, single submitter. Criteria: ACMG Guidelines, 2015. Collection method: clinical testing. Allele origin: germline. Inheritance: Autosomal dominant inheritance. Observed: 1 variant allele, 1 heterozygote.
Comment: This missense variant replaces lysine with asparagine at codon 1060 of the RET protein. Computational prediction suggests that this variant may not impact protein structure and function (internally defined REVEL score threshold <= 0.5, PMID: 27666373). To our knowledge, functional studies have not been reported for this variant. This variant has not been reported in individuals affected with RET-related disorders in the literature. This variant has been identified in 1/251034 chromosomes in the general population by the Genome Aggregation Database (gnomAD). The available evidence is insufficient to determine the role of this variant in disease conclusively. Therefore, this variant is classified as a Variant of Uncertain Significance.

This study involves interpretation of variants in research participants for the purpose of population health screening. Participant phenotype was not available at the time of variant classification. Additional details can be found in publication PMID: 35346344, PMCID: PMC8962531